The following is an entry in ClinVar:

NM_004727.3(SLC24A1):c.2782G>A (p.Val928Ile)

Gene: SLC24A1 (solute carrier family 24 member 1; plus strand). Cytogenetic location: 15q22.31.
Variant type: single nucleotide variant.
Coding change: c.2782G>A on transcript NM_004727.3 (MANE Select); coding-DNA position 2782, G replaced by A.
Protein change: p.Val928Ile; replaces valine 928 with isoleucine.
Molecular consequence: missense variant.
Genome position (GRCh38, 1-based): chr15:65,650,931, G>A. VCF-style: chr15-65650931-G-A. GRCh37 (hg19) VCF-style: chr15-65943269-G-A.
Other names: c.763G>A, p.Val255Ile (NM_001254740.2); c.2782G>A, p.Val928Ile (NM_001301031.1); c.2728G>A, p.Val910Ile (NM_001301032.1, NM_001301033.2); short protein forms V928I, V255I, V910I.
Identifiers: ClinVar variation 316806 (VCV000316806.12), dbSNP rs536096021, ClinGen allele CA7620198.

ClinVar aggregate classification (germline): Uncertain significance. Review status: criteria provided, multiple submitters, no conflicts (2 of 4 stars). 3 submissions from 3 submitters: Uncertain significance (3). Last evaluated 2025-12-11.

Conditions:
Inborn genetic diseases. Identifiers: MedGen C0950123, MeSH D030342.
Congenital stationary night blindness 1D. Also called: Night blindness, congenital stationary (complete), 1D, autosomal recessive. Identifiers: Orphanet 215, MedGen C3151193, MONDO:0013450, OMIM 613830.

Allele frequency attached by ClinVar (database versions not stated): TOPMed 0.00002; gnomAD 0.00003; ExAC 0.00004; gnomAD exomes 0.00005 and 0.00007; 1000 Genomes Project 0.00020; 1000 Genomes Project 30x 0.00031.
gnomAD v4.1: 112 of 1,613,866 alleles (0.0069%); highest among the groups gnomAD compares: East Asian, 0.018%; no homozygotes.

Submissions (3):

Ambry Genetics
Classification: Uncertain significance for Inborn genetic diseases. Last evaluated: 2025-12-11. Review status: criteria provided, single submitter. Criteria: Ambry Variant Classification Scheme 2023. Collection method: clinical testing. Allele origin: germline.

Labcorp Genetics (formerly Invitae), Labcorp
Classification: Uncertain significance. Last evaluated: 2025-03-17. Review status: criteria provided, single submitter. Criteria: Invitae Variant Classification Sherloc (09022015). Collection method: clinical testing. Allele origin: germline.
Comment: This sequence change replaces valine, which is neutral and non-polar, with isoleucine, which is neutral and non-polar, at codon 928 of the SLC24A1 protein (p.Val928Ile). This variant is present in population databases (rs536096021, gnomAD 0.02%). This variant has not been reported in the literature in individuals affected with SLC24A1-related conditions. ClinVar contains an entry for this variant (Variation ID: 316806). An algorithm developed to predict the effect of missense changes on protein structure and function (PolyPhen-2) suggests that this variant is likely to be tolerated. In summary, the available evidence is currently insufficient to determine the role of this variant in disease. Therefore, it has been classified as a Variant of Uncertain Significance.

Illumina Laboratory Services, Illumina
Classification: Uncertain significance for Congenital stationary night blindness 1D. Last evaluated: 2018-01-13. Review status: criteria provided, single submitter. Criteria: ICSL Variant Classification Criteria 13 December 2019. Collection method: clinical testing. Allele origin: germline.